The following is an entry in ClinVar:

NM_001004334.4(GPR179):c.248G>A (p.Arg83His)

Gene: GPR179 (G protein-coupled receptor 179; minus strand). Cytogenetic location: 17q12.
Variant type: single nucleotide variant.
Coding change: c.248G>A on transcript NM_001004334.4 (MANE Select); coding-DNA position 248, G replaced by A.
Protein change: p.Arg83His; replaces arginine 83 with histidine.
Molecular consequence: missense variant.
Genome position (GRCh38, 1-based): chr17:38,343,542, C>T on the plus strand (G>A on the coding strand, the complement: GPR179 is on the minus strand). VCF-style: chr17-38343542-C-T. GRCh37 (hg19) VCF-style: chr17-36499425-C-T.
Other names: short protein forms R83H.
Identifiers: ClinVar variation 1511793 (VCV001511793.8), dbSNP rs765450066, ClinGen allele CA290111824.

ClinVar aggregate classification (germline): Uncertain significance (1 of 4 stars; one submission).

Allele frequency attached by ClinVar (database versions not stated): gnomAD exomes 0.00001; ExAC 0.00002.
gnomAD v4.1: 11 of 1,613,656 alleles (0.00068%); highest among the groups gnomAD compares: East Asian, 0.0022%; no homozygotes.

Submission:

Labcorp Genetics (formerly Invitae), Labcorp
Classification: Uncertain significance. Last evaluated: 2022-08-23. Review status: criteria provided, single submitter. Criteria: Invitae Variant Classification Sherloc (09022015). Collection method: clinical testing. Allele origin: germline.
Comment: In summary, the available evidence is currently insufficient to determine the role of this variant in disease. Therefore, it has been classified as a Variant of Uncertain Significance. Algorithms developed to predict the effect of missense changes on protein structure and function output the following: SIFT: "Tolerated"; PolyPhen-2: "Benign"; Align-GVGD: "Class C0". The histidine amino acid residue is found in multiple mammalian species, which suggests that this missense change does not adversely affect protein function. ClinVar contains an entry for this variant (Variation ID: 1511793). This variant has not been reported in the literature in individuals affected with GPR179-related conditions. This variant is present in population databases (rs765450066, gnomAD 0.006%). This sequence change replaces arginine, which is basic and polar, with histidine, which is basic and polar, at codon 83 of the GPR179 protein (p.Arg83His).